The following is an entry in ClinVar:

ClinVar aggregate classification (germline): Uncertain significance (1 of 4 stars; one submission).

gnomAD v4.1: 1 of 1,614,194 alleles (0.000062%); highest among the groups gnomAD compares: Non-Finnish European, 0.000085%; no homozygotes.

Submission:

Dasa
Classification: Uncertain significance. Last evaluated: 2026-08-10. Review status: criteria provided, single submitter. Criteria: DASA Assertion Criteria. Collection method: clinical testing. Allele origin: germline.
Comment: NM_000098.3(CPT2):c.1367T>C (p.Leu456Pro) is a missense variant that results in the substitution of leucine with proline. This variant is rare in population databases. Computational prediction algorithms are consistent with a deleterious effect. The currently available literature and clinical evidence are not sufficient to establish a definitive association between this variant and the reported condition. Therefore, this variant is classified as a variant of uncertain significance.

NM_000098.3(CPT2):c.1367T>C (p.Leu456Pro)

Gene: CPT2 (carnitine palmitoyltransferase 2; plus strand). Cytogenetic location: 1p32.3.
Variant type: single nucleotide variant.
Coding change: c.1367T>C on transcript NM_000098.3 (MANE Select); coding-DNA position 1367, T replaced by C.
Protein change: p.Leu456Pro; replaces leucine 456 with proline.
Molecular consequence: missense variant.
Genome position (GRCh38, 1-based): chr1:53,211,041, T>C. VCF-style: chr1-53211041-T-C. GRCh37 (hg19) VCF-style: chr1-53676713-T-C.
Other names: c.1367T>C, p.Leu456Pro (NM_001330589.2); short protein forms L456P.
Identifiers: ClinVar variation 5020256 (VCV005020256.1).